The following is an entry in ClinVar:

NM_002693.3(POLG):c.1969A>G (p.Arg657Gly)

Gene: POLG (DNA polymerase gamma, catalytic subunit; minus strand). Cytogenetic location: 15q26.1.
Variant type: single nucleotide variant.
Coding change: c.1969A>G on transcript NM_002693.3 (MANE Select); coding-DNA position 1969, A replaced by G.
Protein change: p.Arg657Gly; replaces arginine 657 with glycine.
Molecular consequence: missense variant.
Genome position (GRCh38, 1-based): chr15:89,324,208, T>C on the plus strand (A>G on the coding strand, the complement: POLG is on the minus strand). VCF-style: chr15-89324208-T-C. GRCh37 (hg19) VCF-style: chr15-89867439-T-C.
Other names: c.1969A>G, p.Arg657Gly (NM_001126131.2); short protein forms R657G.
Identifiers: ClinVar variation 3897070 (VCV003897070.2).

ClinVar aggregate classification (germline): Uncertain significance. Review status: criteria provided, multiple submitters, no conflicts (2 of 4 stars). 2 submissions from 2 submitters: Uncertain significance (2). Last evaluated 2025-04-01.

Conditions:
Progressive sclerosing poliodystrophy (MTDPS4A). Also called: Mitochondrial DNA Depletion Syndrome 4A; ALPERS PROGRESSIVE INFANTILE POLIODYSTROPHY; NEURONAL DEGENERATION OF CHILDHOOD WITH LIVER DISEASE, PROGRESSIVE; Mitochondrial DNA depletion syndrome 4A (Alpers type); Alpers-Huttenlocher Syndrome (AHS); Alpers Syndrome. Identifiers: Orphanet 726, MedGen C0205710, MONDO:0008758, OMIM 203700.

Submissions (2):

Labcorp Genetics (formerly Invitae), Labcorp
Classification: Uncertain significance for Progressive sclerosing poliodystrophy. Last evaluated: 2025-04-01. Review status: criteria provided, single submitter. Criteria: Invitae Variant Classification Sherloc (09022015). Collection method: clinical testing. Allele origin: germline.
Comment: This sequence change replaces arginine, which is basic and polar, with glycine, which is neutral and non-polar, at codon 657 of the POLG protein (p.Arg657Gly). This variant is not present in population databases (gnomAD no frequency). This variant has not been reported in the literature in individuals affected with POLG-related conditions. Invitae Evidence Modeling of protein sequence and biophysical properties (such as structural, functional, and spatial information, amino acid conservation, physicochemical variation, residue mobility, and thermodynamic stability) indicates that this missense variant is not expected to disrupt POLG protein function with a negative predictive value of 95%. In summary, the available evidence is currently insufficient to determine the role of this variant in disease. Therefore, it has been classified as a Variant of Uncertain Significance.

GeneDx
Classification: Uncertain significance. Last evaluated: 2024-10-31. Review status: criteria provided, single submitter. Criteria: GeneDx Variant Classification Process June 2021. Collection method: clinical testing. Allele origin: germline. Affected: yes.
Comment: Not observed at significant frequency in large population cohorts (gnomAD); In silico analysis indicates that this missense variant does not alter protein structure/function; In silico analysis is inconclusive as to whether the variant alters gene splicing. In the absence of RNA/functional studies, the actual effect of this sequence change is unknown.; Has not been previously published as pathogenic or benign to our knowledge